The following is an entry in ClinVar:

NM_001164665.2(KIAA1549):c.2221G>A (p.Glu741Lys)

Gene: KIAA1549 (KIAA1549; minus strand). Cytogenetic location: 7q34.
Variant type: single nucleotide variant.
Coding change: c.2221G>A on transcript NM_001164665.2 (MANE Select); coding-DNA position 2221, G replaced by A.
Protein change: p.Glu741Lys; replaces glutamic acid 741 with lysine.
Molecular consequence: missense variant.
Genome position (GRCh38, 1-based): chr7:138,917,405, C>T on the plus strand (G>A on the coding strand, the complement: KIAA1549 is on the minus strand). VCF-style: chr7-138917405-C-T. GRCh37 (hg19) VCF-style: chr7-138602151-C-T.
Other names: c.2221G>A, p.Glu741Lys (NM_020910.3); short protein forms E741K.
Identifiers: ClinVar variation 1061847 (VCV001061847.9), dbSNP rs2130478383, ClinGen allele CA369393726.

ClinVar aggregate classification (germline): Uncertain significance (1 of 4 stars; one submission).

Allele frequency attached by ClinVar (database versions not stated): gnomAD exomes below 0.00001.
gnomAD v4.1: 2 of 1,613,964 alleles (0.00012%); highest among the groups gnomAD compares: Non-Finnish European, 0.00017%; no homozygotes.

Submission:

Labcorp Genetics (formerly Invitae), Labcorp
Classification: Uncertain significance. Last evaluated: 2022-10-24. Review status: criteria provided, single submitter. Criteria: Invitae Variant Classification Sherloc (09022015). Collection method: clinical testing. Allele origin: germline.
Comment: This sequence change replaces glutamic acid, which is acidic and polar, with lysine, which is basic and polar, at codon 741 of the KIAA1549 protein (p.Glu741Lys). In summary, the available evidence is currently insufficient to determine the role of this variant in disease. Therefore, it has been classified as a Variant of Uncertain Significance. Algorithms developed to predict the effect of missense changes on protein structure and function are either unavailable or do not agree on the potential impact of this missense change (SIFT: "Deleterious"; PolyPhen-2: "Benign"; Align-GVGD: "Class C0"). ClinVar contains an entry for this variant (Variation ID: 1061847). This variant has not been reported in the literature in individuals affected with KIAA1549-related conditions. This variant is not present in population databases (gnomAD no frequency).